The following is an entry in ClinVar:

ClinVar aggregate classification (germline): Uncertain significance (1 of 4 stars; one submission).

Conditions:
LAMB2-related infantile-onset nephrotic syndrome. Also called: Nephrotic Syndrome, type 5; NEPHROTIC SYNDROME, TYPE 5, WITHOUT OCULAR ABNORMALITIES; NEPHROTIC SYNDROME, TYPE 5, WITH OCULAR ABNORMALITIES. Identifiers: Orphanet 306507, MedGen C3280113, MONDO:0013621, OMIM 614199.
Pierson syndrome. Also called: MICROCORIA-CONGENITAL NEPHROTIC SYNDROME. Identifiers: Orphanet 2670, MedGen C1836876, MONDO:0012184, OMIM 609049.

Submission:

Labcorp Genetics (formerly Invitae), Labcorp
Classification: Uncertain significance for LAMB2-related infantile-onset nephrotic syndrome; Pierson syndrome. Last evaluated: 2021-08-05. Review status: criteria provided, single submitter. Criteria: Invitae Variant Classification Sherloc (09022015). Collection method: clinical testing. Allele origin: germline.
Comment: This sequence change replaces alanine with valine at codon 1487 of the LAMB2 protein (p.Ala1487Val). The alanine residue is highly conserved and there is a small physicochemical difference between alanine and valine. This variant is not present in population databases (ExAC no frequency). This variant has not been reported in the literature in individuals affected with LAMB2-related conditions. Algorithms developed to predict the effect of missense changes on protein structure and function (SIFT, PolyPhen-2, Align-GVGD) all suggest that this variant is likely to be disruptive. Algorithms developed to predict the effect of sequence changes on RNA splicing suggest that this variant may create or strengthen a splice site. In summary, the available evidence is currently insufficient to determine the role of this variant in disease. Therefore, it has been classified as a Variant of Uncertain Significance.

NM_002292.4(LAMB2):c.4460C>T (p.Ala1487Val)

Gene: LAMB2 (laminin subunit beta 2; minus strand). Cytogenetic location: 3p21.31.
Variant type: single nucleotide variant.
Coding change: c.4460C>T on transcript NM_002292.4 (MANE Select); coding-DNA position 4460, C replaced by T.
Protein change: p.Ala1487Val; replaces alanine 1487 with valine.
Molecular consequence: missense variant.
Genome position (GRCh38, 1-based): chr3:49,122,817, G>A on the plus strand (C>T on the coding strand, the complement: LAMB2 is on the minus strand). VCF-style: chr3-49122817-G-A. GRCh37 (hg19) VCF-style: chr3-49160250-G-A.
Other names: short protein forms A1487V.
Identifiers: ClinVar variation 1512103 (VCV001512103.3), dbSNP rs2107636624, ClinGen allele CA352692668.